The following is an entry in ClinVar:

NM_005732.4(RAD50):c.1348C>A (p.Leu450Ile)

Gene: RAD50 (RAD50 double strand break repair protein; plus strand). Cytogenetic location: 5q31.1.
Variant type: single nucleotide variant.
Coding change: c.1348C>A on transcript NM_005732.4 (MANE Select); coding-DNA position 1348, C replaced by A.
Protein change: p.Leu450Ile; replaces leucine 450 with isoleucine.
Molecular consequence: missense variant.
Genome position (GRCh38, 1-based): chr5:132,589,733, C>A. VCF-style: chr5-132589733-C-A. GRCh37 (hg19) VCF-style: chr5-131925425-C-A.
Other names: short protein forms L450I.
Identifiers: ClinVar variation 4862853 (VCV004862853.1).
Genomic context (GRCh38, chr5:132,589,733, plus strand): 5'-GATGAGATAAGAGATAAGAAAACTGGACTGGGAAGAATAATTGAGTTAAAATCAGAAATC[C>A]TAAGTAAGAAGCAGAATGAGCTGAAAAATGTGAAGTATGAATTACAGCAGTTGGAAGGAT-3'
Protein context (NP_005723.2, residues 440-460): GRIIELKSEI[Leu450Ile]SKKQNELKNV

ClinVar aggregate classification (germline): Uncertain significance (1 of 4 stars; one submission).

Conditions:
Hereditary cancer-predisposing syndrome. Also called: Neoplastic Syndromes, Hereditary; Tumor predisposition; Hereditary Cancer Syndrome; Hereditary neoplastic syndrome. Identifiers: Orphanet 140162, MedGen C0027672, MeSH D009386, MONDO:0015356.

Submission:

Ambry Genetics
Classification: Uncertain significance for Hereditary cancer-predisposing syndrome. Last evaluated: 2026-05-28. Review status: criteria provided, single submitter. Criteria: Ambry Variant Classification Scheme 2023. Collection method: clinical testing. Allele origin: germline.
Comment: The p.L450I variant (also known as c.1348C>A), located in coding exon 9 of the RAD50 gene, results from a C to A substitution at nucleotide position 1348. The leucine at codon 450 is replaced by isoleucine, an amino acid with highly similar properties. This amino acid position is conserved. In addition, this alteration is predicted to be tolerated by in silico analysis. Based on the available evidence, the clinical significance of this variant remains unclear.